The following is an entry in ClinVar:

NM_000284.4(PDHA1):c.606_609del (p.Gln203fs)

Gene: PDHA1 (pyruvate dehydrogenase E1 subunit alpha 1; plus strand). Cytogenetic location: Xp22.12.
Variant type: Deletion.
Coding change: c.606_609del on transcript NM_000284.4 (MANE Select); coding-DNA positions 606 to 609, 4 bases deleted (CCAG; older notation c.606_609delCCAG).
Protein change: p.Gln203fs; shifts the reading frame from glutamine 203.
Molecular consequence: frameshift variant.
Genome position (GRCh38, 1-based): chrX:19,355,351-19,355,354, CCAG deleted; deleting any 4 consecutive bases within chrX:19,355,350-19,355,354 gives the same sequence; the c. name uses the placement nearest the transcript's 3' end. VCF-style (leftmost placement, unchanged base first): chrX-19355349-GGCCA-G. GRCh37 (hg19) VCF-style: chrX-19373467-GGCCA-G.
Other names: c.720_723del, p.Gln241fs (NM_001173454.2); c.627_630del, p.Gln210fs (NM_001173455.2); c.513_516del, p.Gln172fs (NM_001173456.2); short protein forms Q172fs, Q203fs, Q210fs, Q241fs.
Identifiers: ClinVar variation 4070346 (VCV004070346.1).
Genomic context (GRCh38, chrX:19,355,349, plus strand): 5'-AGAGATGATGAAGCCTGGAGAAAGAAGCCAAATGAAACCCCTTTTCGTAACTACTTCCAG[GGCCA>G]GATATTCGAAGCTTACAACATGGCAGCTTTGTGGAAATTACCTTGTATTTTCATCTGTGA-3'

ClinVar aggregate classification (germline): Pathogenic (0 of 4 stars; one submission).

Conditions:
Pyruvate dehydrogenase E1-alpha deficiency (PDHAD). Also called: ATAXIA, INTERMITTENT, WITH PYRUVATE DEHYDROGENASE DEFICIENCY; ATAXIA WITH LACTIC ACIDOSIS I; ATAXIA, INTERMITTENT, WITH ABNORMAL PYRUVATE METABOLISM; Ataxia, intermittent, with pyruvate dehydrogenase, or decarboxylase, deficiency. Identifiers: Orphanet 79243, MedGen C1839413, MONDO:0010717, OMIM 312170.

Submission:

PDHA1 Study Group, University Children’s Hospital, Paracelsus Medical University
Classification: Pathogenic for Pyruvate dehydrogenase E1-alpha deficiency. Last evaluated: 2024-10-15. Review status: no assertion criteria provided. Collection method: research. Allele origin: germline. Affected: yes. Observed: 1 variant allele.
Comment: The NM_000284.3:c.606_609del (p.Gln203TyrfsTer49) change is a frameshift variant in PDHA1 gene. This variant is predicted to result in nonsense-mediated decay (NMD). The variant has been reported in 1 published case (PMIDs: 21846590). Last literature search: July 12, 2024. This variant is absent or extremely rare in population-based cohorts in the Genome Aggregation Database (gnomAD). Individuals harboring this variant presented with clinical features compatible with PDHA1-related PDHc deficiency. In summary, this variant meets criteria to be classified as pathogenic (P) for PDHA1-related PDHc deficiency based on the ACMG/AMP criteria applied: PVS1, PS3, PM2, PM7 (last assessment October 15, 2024).

Literature cited by the submitters: PubMed 21846590; DOI 10.1093/brain/awaf430.